The following is an entry in ClinVar:

ClinVar aggregate classification (germline): Pathogenic/Likely pathogenic. Review status: criteria provided, multiple submitters, no conflicts (2 of 4 stars). 4 submissions from 4 submitters: Pathogenic (2); Likely pathogenic (2). Last evaluated 2025-07-30.

Conditions:
Inborn genetic diseases. Identifiers: MedGen C0950123, MeSH D030342.
Developmental and epileptic encephalopathy, 12 (DEE12). Identifiers: MedGen C3150988, MONDO:0013389, OMIM 613722.

Allele frequency attached by ClinVar (database versions not stated): gnomAD exomes 0.00001 and 0.00003; gnomAD 0.00004 and 0.00005; TOPMed 0.00016; 1000 Genomes Project 30x 0.00031.

Submissions (4):

Labcorp Genetics (formerly Invitae), Labcorp
Classification: Pathogenic for Developmental and epileptic encephalopathy, 12. Last evaluated: 2025-07-30. Review status: criteria provided, single submitter. Criteria: Invitae Variant Classification Sherloc (09022015). Collection method: clinical testing. Allele origin: germline.
Comment: This sequence change creates a premature translational stop signal (p.Lys202*) in the PNKP gene. It is expected to result in an absent or disrupted protein product. Loss-of-function variants in PNKP are known to be pathogenic (PMID: 20118933, 25728773). This variant is present in population databases (rs796052859, gnomAD 0.01%). This variant has not been reported in the literature in individuals affected with PNKP-related conditions. ClinVar contains an entry for this variant (Variation ID: 206424). Algorithms developed to predict the effect of sequence changes on RNA splicing suggest that this variant may disrupt the consensus splice site. For these reasons, this variant has been classified as Pathogenic.

Ambry Genetics
Classification: Pathogenic for Inborn genetic diseases. Last evaluated: 2025-04-15. Review status: criteria provided, single submitter. Criteria: Ambry Variant Classification Scheme 2023. Collection method: clinical testing. Allele origin: germline.
Comment: The c.603dupT (p.K202*) alteration, located in exon 6 (coding exon 5) of the PNKP gene, consists of a duplication of T at position 603. This changes the amino acid from a lysine (K) to a stop codon at amino acid position 202. This alteration is expected to result in loss of function by premature protein truncation or nonsense-mediated mRNA decay. Based on data from gnomAD, the TT allele has an overall frequency of 0.003% (8/251436) total alleles studied. The highest observed frequency was 0.033% (2/6136) of Other alleles. Based on the available evidence, this alteration is classified as pathogenic.

GeneDx
Classification: Likely pathogenic. Last evaluated: 2024-08-28. Review status: criteria provided, single submitter. Criteria: GeneDx Variant Classification Process June 2021. Collection method: clinical testing. Allele origin: germline. Affected: yes.
Comment: Reported as a single heterozygous variant in multiple individuals with epilepsy in published literature (PMID: 31440721); Nonsense variant predicted to result in protein truncation or nonsense mediated decay in a gene for which loss of function is a known mechanism of disease; Not observed at significant frequency in large population cohorts (gnomAD); This variant is associated with the following publications: (PMID: 31440721)

Revvity Omics, Revvity
Classification: Likely pathogenic. Last evaluated: 2023-03-28. Review status: criteria provided, single submitter. Criteria: ACMG Guidelines, 2015. Collection method: clinical testing. Allele origin: germline.

Literature cited by the submitters: PubMed 20118933 (cited by Labcorp Genetics (formerly Invitae), Labcorp); PubMed 25728773 (cited by Labcorp Genetics (formerly Invitae), Labcorp).

NM_007254.4(PNKP):c.603dup (p.Lys202Ter)

Gene: PNKP (polynucleotide kinase 3'-phosphatase; minus strand). Cytogenetic location: 19q13.33.
Variant type: Duplication.
Coding change: c.603dup on transcript NM_007254.4 (MANE Select); coding-DNA position 603, one base duplicated (T; older notation c.603dupT).
Protein change: p.Lys202Ter; replaces lysine 202 with a stop codon.
Molecular consequence: nonsense.
Genome position (GRCh38, 1-based): chr19:49,864,212, A duplicated on the plus strand (T on the coding strand, the reverse complement: PNKP is on the minus strand). VCF-style (leftmost placement, unchanged base first): chr19-49864211-T-TA. GRCh37 (hg19) VCF-style: chr19-50367468-T-TA.
Other names: c.603dupT (NM_007254.3, NM_007254.2); short protein forms K202*.
Identifiers: ClinVar variation 206424 (VCV000206424.21), dbSNP rs796052859, ClinGen allele CA316525.